The following is an entry in ClinVar:

ClinVar aggregate classification (germline): Uncertain significance (1 of 4 stars; one submission).

Conditions:
Mosaic variegated aneuploidy syndrome 1 (MVA1). Also called: Warburton-Anyane-Yeboa syndrome. Identifiers: Orphanet 1052, MedGen C1850343, MONDO:0009759, OMIM 257300.

gnomAD v4.1: 10 of 1,613,638 alleles (0.00062%); highest among the groups gnomAD compares: East Asian, 0.022%; no homozygotes.

Submission:

Labcorp Genetics (formerly Invitae), Labcorp
Classification: Uncertain significance for Mosaic variegated aneuploidy syndrome 1. Last evaluated: 2020-09-30. Review status: criteria provided, single submitter. Criteria: Invitae Variant Classification Sherloc (09022015). Collection method: clinical testing. Allele origin: germline.
Comment: This sequence change replaces histidine with proline at codon 681 of the BUB1B protein (p.His681Pro). The histidine residue is weakly conserved and there is a moderate physicochemical difference between histidine and proline. This variant is not present in population databases (ExAC no frequency). This variant has not been reported in the literature in individuals with BUB1B-related conditions. Algorithms developed to predict the effect of missense changes on protein structure and function are either unavailable or do not agree on the potential impact of this missense change (SIFT: "Deleterious"; PolyPhen-2: "Possibly Damaging"; Align-GVGD: "Class C0"). In summary, the available evidence is currently insufficient to determine the role of this variant in disease. Therefore, it has been classified as a Variant of Uncertain Significance.

NM_001211.6(BUB1B):c.2042A>C (p.His681Pro)

Gene: BUB1B (BUB1 mitotic checkpoint serine/threonine kinase B; plus strand). Cytogenetic location: 15q15.1.
Variant type: single nucleotide variant.
Coding change: c.2042A>C on transcript NM_001211.6 (MANE Select); coding-DNA position 2042, A replaced by C.
Protein change: p.His681Pro; replaces histidine 681 with proline.
Molecular consequence: missense variant.
Genome position (GRCh38, 1-based): chr15:40,208,669, A>C. VCF-style: chr15-40208669-A-C. GRCh37 (hg19) VCF-style: chr15-40500870-A-C.
Other names: short protein forms H681P.
Identifiers: ClinVar variation 1058816 (VCV001058816.9), dbSNP rs761234125, ClinGen allele CA268799846.